The following is an entry in ClinVar:

NM_000219.6(KCNE1):c.89T>C (p.Leu30Pro)

Gene: KCNE1 (potassium voltage-gated channel subfamily E regulatory subunit 1; minus strand). Cytogenetic location: 21q22.12.
Variant type: single nucleotide variant.
Coding change: c.89T>C on transcript NM_000219.6 (MANE Select); coding-DNA position 89, T replaced by C.
Protein change: p.Leu30Pro; replaces leucine 30 with proline.
Molecular consequence: missense variant.
Genome position (GRCh38, 1-based): chr21:34,449,546, A>G on the plus strand (T>C on the coding strand, the complement: KCNE1 is on the minus strand). VCF-style: chr21-34449546-A-G. GRCh37 (hg19) VCF-style: chr21-35821844-A-G.
Other names: c.89T>C, p.Leu30Pro (NM_001127668.4, NM_001127669.4, NM_001127670.4 and 4 more transcripts); short protein forms L30P.
Identifiers: ClinVar variation 3374017 (VCV003374017.2).

Conditions:
Long QT syndrome 5 (LQT5). Identifiers: Orphanet 101016, Orphanet 768, MedGen C1867904, MONDO:0013372, OMIM 613695.

Submission:

Roden Lab, Vanderbilt University Medical Center
No classification provided (evidence only). Condition: Long QT syndrome 5. Review status: no classification provided. Collection method: in vitro. Allele origin: not applicable. Functional consequence: Effect on ion channel function.
ClinVar note: "not provided" was previously submitted as the classification for the variant. However, the classification appeared to be based only on an observation of functional data so it was converted to no classification on 2025-07-30.